The following is an entry in ClinVar:

ClinVar aggregate classification (germline): Pathogenic/Likely pathogenic. Review status: criteria provided, multiple submitters, no conflicts (2 of 4 stars). 2 submissions from 2 submitters: Pathogenic (1); Likely pathogenic (1). Last evaluated 2025-12-03.

Conditions:
Kostmann syndrome (SCN3). Also called: KOSTMANN DISEASE; Autosomal recessive severe congenital neutropenia type 3. Identifiers: Orphanet 99749, MedGen C5235141, MONDO:0012548, OMIM 610738.

gnomAD v4.1: 1 of 1,600,076 alleles (0.000062%); highest among the groups gnomAD compares: South Asian, 0.0011%; no homozygotes.

Submissions (2):

Natera, Inc.
Classification: Pathogenic for Autosomal recessive severe congenital neutropenia type 3. Last evaluated: 2025-12-03. Review status: criteria provided, single submitter. Criteria: Natera Variant Classification Schema (03/2026). Collection method: clinical testing. Allele origin: germline.
Comment: The c.557-1G>C variant in HAX1 is a canonical splice acceptor site variant predicted to affect pre-mRNA splicing, which may result in an abnormal transcript and altered protein product. This variant is expected to result in nonsense mediated decay, truncation, or a dysfunctional protein product. This variant is rare in the general population with a frequency below the threshold expected for the associated phenotype(s). This variant has been observed in one or more individuals affected with the associated recessive disease, as either homozygous or compound heterozygous with a second variant (PMID: 34134972). Given the available evidence, this variant is classified as Pathogenic.

Labcorp Genetics (formerly Invitae), Labcorp
Classification: Likely pathogenic for Kostmann syndrome. Last evaluated: 2021-07-27. Review status: criteria provided, single submitter. Criteria: Invitae Variant Classification Sherloc (09022015). Collection method: clinical testing. Allele origin: germline.
Comment: In summary, the currently available evidence indicates that the variant is pathogenic, but additional data are needed to prove that conclusively. Therefore, this variant has been classified as Likely Pathogenic. Algorithms developed to predict the effect of sequence changes on RNA splicing suggest that this variant may disrupt the consensus splice site. This variant has not been reported in the literature in individuals affected with HAX1-related conditions. This variant is not present in population databases (ExAC no frequency). This sequence change affects an acceptor splice site in intron 4 of the HAX1 gene. It is expected to disrupt RNA splicing. Variants that disrupt the donor or acceptor splice site typically lead to a loss of protein function (PMID: 16199547), and loss-of-function variants in HAX1 are known to be pathogenic (PMID: 17187068).

Literature cited by the submitters: PubMed 34134972 (cited by Natera, Inc.); PubMed 16199547 (cited by Labcorp Genetics (formerly Invitae), Labcorp); PubMed 17187068 (cited by Labcorp Genetics (formerly Invitae), Labcorp).

NM_006118.4(HAX1):c.557-1G>C

Gene: HAX1 (HCLS1 associated protein X-1; plus strand). Cytogenetic location: 1q21.3.
Variant type: single nucleotide variant.
Coding change: c.557-1G>C on transcript NM_006118.4 (MANE Select); the canonical splice acceptor site of the intron before coding-DNA position 557, G replaced by C.
Molecular consequence: splice acceptor variant.
Genome position (GRCh38, 1-based): chr1:154,275,153, G>C. VCF-style: chr1-154275153-G-C. GRCh37 (hg19) VCF-style: chr1-154247629-G-C.
Other names: c.413-1G>C (NM_001018837.2); c.557-1G>C (NM_006118.3).
Identifiers: ClinVar variation 1492255 (VCV001492255.7), dbSNP rs1684904805, ClinGen allele CA342593529.